The following is an entry in ClinVar:

ClinVar aggregate classification (germline): Uncertain significance (1 of 4 stars; one submission).

Allele frequency attached by ClinVar (database versions not stated): gnomAD exomes below 0.00001; TOPMed below 0.00001.
gnomAD v4.1: 4 of 1,613,958 alleles (0.00025%); highest among the groups gnomAD compares: South Asian, 0.0044%; no homozygotes.

Submission:

Labcorp Genetics (formerly Invitae), Labcorp
Classification: Uncertain significance. Last evaluated: 2022-08-09. Review status: criteria provided, single submitter. Criteria: Invitae Variant Classification Sherloc (09022015). Collection method: clinical testing. Allele origin: germline.
Comment: In summary, the available evidence is currently insufficient to determine the role of this variant in disease. Therefore, it has been classified as a Variant of Uncertain Significance. Advanced modeling of protein sequence and biophysical properties (such as structural, functional, and spatial information, amino acid conservation, physicochemical variation, residue mobility, and thermodynamic stability) performed at Invitae indicates that this missense variant is not expected to disrupt FAT4 protein function. ClinVar contains an entry for this variant (Variation ID: 1377345). This variant has not been reported in the literature in individuals affected with FAT4-related conditions. This variant is not present in population databases (gnomAD no frequency). This sequence change replaces alanine, which is neutral and non-polar, with threonine, which is neutral and polar, at codon 2397 of the FAT4 protein (p.Ala2397Thr).

NM_001291303.3(FAT4):c.7189G>A (p.Ala2397Thr)

Gene: FAT4 (FAT atypical cadherin 4; plus strand). Cytogenetic location: 4q28.1.
Variant type: single nucleotide variant.
Coding change: c.7189G>A on transcript NM_001291303.3 (MANE Select); coding-DNA position 7189, G replaced by A.
Protein change: p.Ala2397Thr; replaces alanine 2397 with threonine.
Molecular consequence: missense variant.
Genome position (GRCh38, 1-based): chr4:125,434,415, G>A. VCF-style: chr4-125434415-G-A. GRCh37 (hg19) VCF-style: chr4-126355570-G-A.
Other names: c.7189G>A, p.Ala2397Thr (NM_001291285.3, NM_024582.6); short protein forms A2397T.
Identifiers: ClinVar variation 1377345 (VCV001377345.8), dbSNP rs1725381092, ClinGen allele CA358135510.